The following is an entry in ClinVar:

NM_006767.4(LZTR1):c.2450T>C (p.Leu817Pro)

Gene: LZTR1 (leucine zipper like post translational regulator 1; plus strand). Cytogenetic location: 22q11.21.
Variant type: single nucleotide variant.
Coding change: c.2450T>C on transcript NM_006767.4 (MANE Select); coding-DNA position 2450, T replaced by C.
Protein change: p.Leu817Pro; replaces leucine 817 with proline.
Molecular consequence: missense variant.
Genome position (GRCh38, 1-based): chr22:20,997,275, T>C. VCF-style: chr22-20997275-T-C. GRCh37 (hg19) VCF-style: chr22-21351564-T-C.
Other names: short protein forms L817P.
Identifiers: ClinVar variation 4763293 (VCV004763293.1).
Genomic context (GRCh38, chr22:20,997,275, plus strand): 5'-GCCTGCTTGCCTTACAGGTCTCCAAGTTGCCCACCCTGCGGTCGCTGAGCCAGCAGCTGC[T>C]GCTGGACATCATAGACTCCCTGGCCTCCCACATCTCAGACAAGCAGTGCGCAGAGCTGGG-3'
Protein context (NP_006758.2, residues 807-827): PTLRSLSQQL[Leu817Pro]LDIIDSLASH

ClinVar aggregate classification (germline): Uncertain significance (1 of 4 stars; one submission).

gnomAD v4.1: 2 of 1,613,934 alleles (0.00012%); highest among the groups gnomAD compares: Admixed American, 0.0033%; no homozygotes.

Submission:

Labcorp Genetics (formerly Invitae), Labcorp
Classification: Uncertain significance. Last evaluated: 2025-10-01. Review status: criteria provided, single submitter. Criteria: Invitae Variant Classification Sherloc (09022015). Collection method: clinical testing. Allele origin: germline.
Comment: This sequence change replaces leucine, which is neutral and non-polar, with proline, which is neutral and non-polar, at codon 817 of the LZTR1 protein (p.Leu817Pro). This variant is present in population databases (no rsID available, gnomAD 0.006%). This variant has not been reported in the literature in individuals affected with LZTR1-related conditions. Invitae Evidence Modeling of protein sequence and biophysical properties (such as structural, functional, and spatial information, amino acid conservation, physicochemical variation, residue mobility, and thermodynamic stability) indicates that this missense variant is not expected to disrupt LZTR1 protein function with a negative predictive value of 80%. In summary, the available evidence is currently insufficient to determine the role of this variant in disease. Therefore, it has been classified as a Variant of Uncertain Significance.